The following is an entry in ClinVar:

NM_000059.4(BRCA2):c.9843A>C (p.Pro3281=)

Gene: BRCA2 (BRCA2 DNA repair associated; plus strand). Cytogenetic location: 13q13.1.
Variant type: single nucleotide variant.
Coding change: c.9843A>C on transcript NM_000059.4 (MANE Select); coding-DNA position 9843, A replaced by C.
Protein change: p.Pro3281=; no amino-acid change (proline 3281 retained).
Molecular consequence: synonymous variant.
Genome position (GRCh38, 1-based): chr13:32,398,356, A>C. VCF-style: chr13-32398356-A-C. GRCh37 (hg19) VCF-style: chr13-32972493-A-C.
Other names: 10071A>C.
Identifiers: ClinVar variation 52907 (VCV000052907.3), dbSNP rs11571832, ClinGen allele CA026312.

ClinVar aggregate classification (germline): Likely benign. Review status: reviewed by expert panel (3 of 4 stars). 2 submissions from 2 submitters: Likely benign (1). 1 of the submissions does not count toward it. Last evaluated 2017-06-29.

Conditions:
Breast-ovarian cancer, familial, susceptibility to, 2 (BROVCA2). Also called: BRCA2 Hereditary Breast and Ovarian Cancer. Identifiers: Orphanet 145, MedGen C2675520, MONDO:0012933, OMIM 612555. Disease mechanism: loss of function.

Submissions (2):

Evidence-based Network for the Interpretation of Germline Mutant Alleles (ENIGMA)
Classification: Likely benign for Breast-ovarian cancer, familial, susceptibility to, 2. Last evaluated: 2017-06-29. Review status: reviewed by expert panel. Criteria: ENIGMA BRCA1/2 Classification Criteria (2017-06-29). Collection method: curation. Allele origin: germline.
Comment: Synonymous substitution variant, with low bioinformatic likelihood to result in a splicing aberration (Splicing prior probability 0.02).

Breast Cancer Information Core (BIC) (BRCA2)
Classification: Uncertain significance for Breast-ovarian cancer, familial 2. Last evaluated: 2003-01-24. Review status: no assertion criteria provided. Collection method: clinical testing. Allele origin: germline. Affected: yes. Observed: 1 variant allele. Not counted in ClinVar's aggregate classification.